The following is an entry in ClinVar:

ClinVar aggregate classification (germline): Uncertain significance (1 of 4 stars; one submission).

gnomAD v4.1: 18 of 1,614,074 alleles (0.0011%); highest among the groups gnomAD compares: East Asian, 0.0022%; no homozygotes.

Submission:

CeGaT Center for Human Genetics Tuebingen
Classification: Uncertain significance. Last evaluated: 2026-05-01. Review status: criteria provided, single submitter. Criteria: CeGaT Center For Human Genetics Tuebingen Variant Classification Criteria Version 2. Collection method: clinical testing. Allele origin: germline. Affected: yes. Observed: 1 variant allele.
Comment: LTBP1: PM2

NM_206943.4(LTBP1):c.4754G>A (p.Arg1585Gln)

Gene: LTBP1 (latent transforming growth factor beta binding protein 1; plus strand). Cytogenetic location: 2p22.3.
Variant type: single nucleotide variant.
Coding change: c.4754G>A on transcript NM_206943.4 (MANE Select); coding-DNA position 4754, G replaced by A.
Protein change: p.Arg1585Gln; replaces arginine 1585 with glutamine.
Molecular consequence: missense variant.
Genome position (GRCh38, 1-based): chr2:33,389,226, G>A. VCF-style: chr2-33389226-G-A. GRCh37 (hg19) VCF-style: chr2-33614293-G-A.
Other names: c.3776G>A, p.Arg1259Gln (NM_000627.4); c.3650G>A, p.Arg1217Gln (NM_001166264.2, NM_001394909.1); c.3617G>A, p.Arg1206Gln (NM_001166265.2); c.3491G>A, p.Arg1164Gln (NM_001166266.2, NM_001394920.1); c.4595G>A, p.Arg1532Gln (NM_001394905.1); c.3773G>A, p.Arg1258Gln (NM_001394906.1); c.3689G>A, p.Arg1230Gln (NM_001394907.1); c.3656G>A, p.Arg1219Gln (NM_001394908.1); and 13 more; short protein forms R1074Q, R1116Q, R1122Q, R1124Q, R1163Q, R1164Q, R1168Q, R1169Q.
Identifiers: ClinVar variation 4873362 (VCV004873362.2).